The following is an entry in ClinVar:

ClinVar aggregate classification (germline): Uncertain significance. Review status: criteria provided, multiple submitters, no conflicts (2 of 4 stars). 2 submissions from 2 submitters: Uncertain significance (2). Last evaluated 2026-05-13.

Allele frequency attached by ClinVar (database versions not stated): TOPMed 0.00008; ExAC 0.00010; gnomAD 0.00010.
gnomAD v4.1: 177 of 1,614,008 alleles (0.011%); highest among the groups gnomAD compares: Non-Finnish European, 0.015%; 1 homozygote.

Submissions (2):

Women's Health and Genetics/Laboratory Corporation of America, LabCorp
Classification: Uncertain significance. Last evaluated: 2026-05-13. Review status: criteria provided, single submitter. Criteria: LabCorp Variant Classification Summary - May 2015. Collection method: clinical testing. Allele origin: germline.
Comment: Variant summary: NCKAP1L c.1963G>C (p.Glu655Gln) results in a conservative amino acid change in the encoded protein sequence. Algorithms developed to predict the effect of missense changes on protein structure and function are either unavailable or do not agree on the potential impact of this missense change. The variant allele was found at a frequency of 8.8e-05 in 251022 control chromosomes. This frequency is not significantly higher than estimated for disease-causing variants in NCKAP1L, allowing no conclusion about variant significance. To our knowledge, no occurrence of c.1963G>C in individuals affected with NCKAP1L-related conditions and no experimental evidence demonstrating its impact on protein function have been reported. ClinVar contains an entry for this variant (Variation ID: 2072758). Based on the evidence outlined above, the variant was classified as uncertain significance.

Labcorp Genetics (formerly Invitae), Labcorp
Classification: Uncertain significance. Last evaluated: 2022-10-26. Review status: criteria provided, single submitter. Criteria: Invitae Variant Classification Sherloc (09022015). Collection method: clinical testing. Allele origin: germline.
Comment: This sequence change replaces glutamic acid, which is acidic and polar, with glutamine, which is neutral and polar, at codon 655 of the NCKAP1L protein (p.Glu655Gln). This variant is present in population databases (rs761653758, gnomAD 0.02%). This variant has not been reported in the literature in individuals affected with NCKAP1L-related conditions. Algorithms developed to predict the effect of missense changes on protein structure and function are either unavailable or do not agree on the potential impact of this missense change (SIFT: "Tolerated"; PolyPhen-2: "Probably Damaging"; Align-GVGD: "Class C0"). In summary, the available evidence is currently insufficient to determine the role of this variant in disease. Therefore, it has been classified as a Variant of Uncertain Significance.

NM_005337.5(NCKAP1L):c.1963G>C (p.Glu655Gln)

Gene: NCKAP1L (NCK associated protein 1 like; plus strand). Cytogenetic location: 12q13.2.
Variant type: single nucleotide variant.
Coding change: c.1963G>C on transcript NM_005337.5 (MANE Select); coding-DNA position 1963, G replaced by C.
Protein change: p.Glu655Gln; replaces glutamic acid 655 with glutamine.
Molecular consequence: missense variant.
Genome position (GRCh38, 1-based): chr12:54,523,478, G>C. VCF-style: chr12-54523478-G-C. GRCh37 (hg19) VCF-style: chr12-54917262-G-C.
Other names: c.1813G>C, p.Glu605Gln (NM_001184976.2); short protein forms E605Q, E655Q.
Identifiers: ClinVar variation 2072758 (VCV002072758.2), dbSNP rs761653758, ClinGen allele CA6609314.